The following is an entry in ClinVar:

ClinVar aggregate classification (germline): Likely pathogenic. Review status: criteria provided, multiple submitters, no conflicts (2 of 4 stars). 2 submissions from 2 submitters: Likely pathogenic (2). Last evaluated 2024-06-13.

Conditions:
Capillary malformation-arteriovenous malformation 1 (CMAVM1). Identifiers: Orphanet 137667, Orphanet 693907, MedGen C4747394, MONDO:0020783, OMIM 608354.
RASA1-related disorder. Also called: RASA1-related condition.

Submissions (2):

CGC Genetics, Unilabs
Classification: Likely pathogenic for Capillary malformation-arteriovenous malformation 1. Last evaluated: 2024-06-13. Review status: criteria provided, single submitter. Criteria: ACMG Guidelines, 2015. Collection method: clinical testing. Allele origin: germline. Inheritance: Autosomal dominant inheritance. Affected: yes. Observed: 2 variant alleles.
Comment: The NM_002890.3:c.899+1G>T p.? variant, detected in heterozygosity in the RASA1 gene (chr.5), has been described in the literature in a patient with capillary malformation–arteriovenous malformation (PMID: 24038909). It is not present in the gnomAD population database or in the ClinVar database. Additionally, this variant is located at a canonical splice donor site in intron 4 (of 25 exons), and bioinformatic analysis predicts that it causes skipping of exon 4. Based on the available information, this variant should be classified as likely pathogenic.

Blueprint Genetics
Classification: Likely pathogenic for RASA1-related disorders. Last evaluated: 2019-02-11. Review status: criteria provided, single submitter. Criteria: ACMG Guidelines, 2015. Collection method: clinical testing. Allele origin: germline. Affected: yes. Observed: 1 variant allele.

Literature cited by the submitters: PubMed 24038909 (cited by CGC Genetics, Unilabs).

NM_002890.3(RASA1):c.899+1G>T

Genes: CCNH (cyclin H; minus strand), RASA1 (RAS p21 protein activator 1; plus strand). Cytogenetic location: 5q14.3.
Variant type: single nucleotide variant.
Coding change: c.899+1G>T on transcript NM_002890.3 (MANE Select); the canonical splice donor site of the intron after coding-DNA position 899, G replaced by T.
Molecular consequence: splice donor variant. On other transcripts: intron variant (1).
Genome position (GRCh38, 1-based): chr5:87,333,338, G>T. VCF-style: chr5-87333338-G-T. GRCh37 (hg19) VCF-style: chr5-86629155-G-T.
Other names: c.368+1G>T (NM_022650.3); c.934-20543C>A (NM_001364075.2).
Identifiers: ClinVar variation 4851567 (VCV004851567.2).